The following is an entry in ClinVar:

NM_002941.4(ROBO1):c.2443G>T (p.Val815Phe)

Gene: ROBO1 (roundabout guidance receptor 1; minus strand). Cytogenetic location: 3p12.3.
Variant type: single nucleotide variant.
Coding change: c.2443G>T on transcript NM_002941.4 (MANE Select); coding-DNA position 2443, G replaced by T.
Protein change: p.Val815Phe; replaces valine 815 with phenylalanine.
Molecular consequence: missense variant.
Genome position (GRCh38, 1-based): chr3:78,657,269, C>A on the plus strand (G>T on the coding strand, the complement: ROBO1 is on the minus strand). VCF-style: chr3-78657269-C-A. GRCh37 (hg19) VCF-style: chr3-78706419-C-A.
Other names: c.2335G>T, p.Val779Phe (NM_001145844.1, NM_001145845.2, NM_133631.4); short protein forms V779F, V815F.
Identifiers: ClinVar variation 2500404 (VCV002500404.1), dbSNP rs1208437417, ClinGen allele CA353661186.

ClinVar aggregate classification (germline): Uncertain significance (1 of 4 stars; one submission).

Submission:

GeneDx
Classification: Uncertain significance. Last evaluated: 2022-10-26. Review status: criteria provided, single submitter. Criteria: GeneDx Variant Classification Process June 2021. Collection method: clinical testing. Allele origin: germline. Affected: yes.
Comment: Not observed at significant frequency in large population cohorts (gnomAD); In silico analysis supports that this missense variant has a deleterious effect on protein structure/function; Has not been previously published as pathogenic or benign to our knowledge